The following is an entry in ClinVar:

NM_000264.5(PTCH1):c.487A>G (p.Lys163Glu)

Gene: PTCH1 (patched 1; minus strand). Cytogenetic location: 9q22.32.
Variant type: single nucleotide variant.
Coding change: c.487A>G on transcript NM_000264.5 (MANE Select); coding-DNA position 487, A replaced by G.
Protein change: p.Lys163Glu; replaces lysine 163 with glutamic acid.
Molecular consequence: missense variant. On other transcripts: non-coding transcript variant (1).
Genome position (GRCh38, 1-based): chr9:95,485,782, T>C on the plus strand (A>G on the coding strand, the complement: PTCH1 is on the minus strand). VCF-style: chr9-95485782-T-C. GRCh37 (hg19) VCF-style: chr9-98248064-T-C.
Other names: c.289A>G, p.Lys97Glu (NM_001083602.3, NM_001354919.2); c.484A>G, p.Lys162Glu (NM_001083603.3); c.34A>G, p.Lys12Glu (NM_001083604.3, NM_001083605.3, NM_001083606.3 and 1 more transcripts); c.487A>G, p.Lys163Glu (NM_001354918.2); short protein forms K163E, K97E, K12E, K162E.
Identifiers: ClinVar variation 825249 (VCV000825249.10), dbSNP rs1588622580, ClinGen allele CA374116973.

ClinVar aggregate classification (germline): Uncertain significance. Review status: criteria provided, multiple submitters, no conflicts (2 of 4 stars). 2 submissions from 2 submitters: Uncertain significance (2). Last evaluated 2025-07-30.

Conditions:
Hereditary cancer-predisposing syndrome. Also called: Neoplastic Syndromes, Hereditary; Hereditary Cancer Syndrome; Hereditary neoplastic syndrome; Tumor predisposition. Identifiers: Orphanet 140162, MedGen C0027672, MeSH D009386, MONDO:0015356.
Gorlin syndrome. Also called: Nevoid Basal Cell Carcinoma Syndrome; Basal cell nevus syndrome. Identifiers: Orphanet 377, MedGen C0004779, MONDO:0007187.

Allele frequency attached by ClinVar (database versions not stated): gnomAD exomes below 0.00001.
gnomAD v4.1: 1 of 1,614,222 alleles (0.000062%); no homozygotes.

Submissions (2):

Ambry Genetics
Classification: Uncertain significance for Hereditary cancer-predisposing syndrome. Last evaluated: 2025-07-30. Review status: criteria provided, single submitter. Criteria: Ambry Variant Classification Scheme 2023. Collection method: clinical testing. Allele origin: germline.
Comment: The p.K163E variant (also known as c.487A>G), located in coding exon 3 of the PTCH1 gene, results from an A to G substitution at nucleotide position 487. The lysine at codon 163 is replaced by glutamic acid, an amino acid with similar properties. This amino acid position is not well conserved in available vertebrate species. In addition, the in silico prediction for this alteration is inconclusive. Based on the available evidence, the clinical significance of this variant remains unclear.

Labcorp Genetics (formerly Invitae), Labcorp
Classification: Uncertain significance for Gorlin syndrome. Last evaluated: 2022-09-19. Review status: criteria provided, single submitter. Criteria: Invitae Variant Classification Sherloc (09022015). Collection method: clinical testing. Allele origin: germline.
Comment: This variant has not been reported in the literature in individuals affected with PTCH1-related conditions. This variant is not present in population databases (gnomAD no frequency). This sequence change replaces lysine, which is basic and polar, with glutamic acid, which is acidic and polar, at codon 163 of the PTCH1 protein (p.Lys163Glu). ClinVar contains an entry for this variant (Variation ID: 825249). In summary, the available evidence is currently insufficient to determine the role of this variant in disease. Therefore, it has been classified as a Variant of Uncertain Significance. Advanced modeling of protein sequence and biophysical properties (such as structural, functional, and spatial information, amino acid conservation, physicochemical variation, residue mobility, and thermodynamic stability) performed at Invitae indicates that this missense variant is not expected to disrupt PTCH1 protein function.